The following is an entry in ClinVar:

NM_001330239.4(TJP1):c.4128C>T (p.Ala1376=)

Gene: TJP1 (tight junction protein 1; minus strand). Cytogenetic location: 15q13.1.
Variant type: single nucleotide variant.
Coding change: c.4128C>T on transcript NM_001330239.4 (MANE Select); coding-DNA position 4128, C replaced by T.
Protein change: p.Ala1376=; no amino-acid change (alanine 1376 retained).
Molecular consequence: synonymous variant.
Genome position (GRCh38, 1-based): chr15:29,716,685, G>A on the plus strand (C>T on the coding strand, the complement: TJP1 is on the minus strand). VCF-style: chr15-29716685-G-A. GRCh37 (hg19) VCF-style: chr15-30008889-G-A.
Other names: c.4407C>T, p.Ala1469= (NM_001301025.3, NM_001355012.2); c.3900C>T, p.Ala1300= (NM_001301026.2); c.4140C>T, p.Ala1380= (NM_001355013.1); c.4128C>T, p.Ala1376= (NM_001355014.2, NM_003257.5); c.3888C>T, p.Ala1296= (NM_001355015.2, NM_175610.4).
Identifiers: ClinVar variation 3059277 (VCV003059277.2), dbSNP rs2229518, ClinGen allele CA7446592.
Genomic context (GRCh38, chr15:29,716,685, plus strand): 5'-AGAAAAATTTGATTGATTCTGAGAATGCGCTGGCTTTGCAGGCTCGGAGAGATGGCTGGC[G>A]GCAATGTGTGCAGGAGGCTTATTCTCAAAACTTCTTCGGTCAAAGTATGACAGCTGTTTT-3'
Protein context (NP_001317168.1, residues 1366-1386): SFENKPPAHI[Ala1376=]ASHLSEPAKP

ClinVar aggregate classification (germline): Benign (0 of 4 stars; one submission).

Conditions:
TJP1-related disorder. Also called: TJP1-related condition.

Allele frequency attached by ClinVar (database versions not stated): 1000 Genomes Project 30x 0.78154; 1000 Genomes Project 0.78674; TOPMed 0.78742; ESP Exome Variant Server 0.79251; gnomAD 0.79399; gnomAD exomes 0.82766; ExAC 0.82847.
gnomAD v4.1: 1,329,854 of 1,613,650 alleles (82%); highest among the groups gnomAD compares: East Asian, 86%; 549,538 homozygotes.

Submission:

PreventionGenetics, part of Exact Sciences
Classification: Benign for TJP1-related condition. Last evaluated: 2019-10-17. Review status: no assertion criteria provided. Collection method: clinical testing. Allele origin: germline.
Comment: This variant is classified as benign based on ACMG/AMP sequence variant interpretation guidelines (Richards et al. 2015 PMID: 25741868, with internal and published modifications).